The following is an entry in ClinVar:

NM_001972.4(ELANE):c.193G>T (p.Val65Phe)

Gene: ELANE (elastase, neutrophil expressed; plus strand). Cytogenetic location: 19p13.3.
Variant type: single nucleotide variant.
Coding change: c.193G>T on transcript NM_001972.4 (MANE Select); coding-DNA position 193, G replaced by T.
Protein change: p.Val65Phe; replaces valine 65 with phenylalanine.
Molecular consequence: missense variant.
Genome position (GRCh38, 1-based): chr19:853,001, G>T. VCF-style: chr19-853001-G-T. GRCh37 (hg19) VCF-style: chr19-853001-G-T.
Other names: short protein forms V65F.
Identifiers: ClinVar variation 4783835 (VCV004783835.1).
Genomic context (GRCh38, chr19:853,001, plus strand): 5'-GTGTCCCTGCAGCTGCGCGGAGGCCACTTCTGCGGCGCCACCCTGATTGCGCCCAACTTC[G>T]TCATGTCGGCCGCGCACTGCGTGGCGAATGTGTGAGTAGCCGGGAGTGTGCGCGCCCGGC-3'
Protein context (NP_001963.1, residues 55-75): CGATLIAPNF[Val65Phe]MSAAHCVANV

ClinVar aggregate classification (germline): Uncertain significance (1 of 4 stars; one submission).

Conditions:
Neutropenia, severe congenital, 1, autosomal dominant. Identifiers: MedGen C1859966, MONDO:0042490, OMIM 202700.
Cyclical neutropenia. Also called: Cyclic Neutropenia; Cyclic hematopoiesis. Identifiers: Orphanet 2686, MedGen C0221023, MONDO:0008090, OMIM 162800, HP:0040289. Disease mechanism: loss of function.

Submission:

Labcorp Genetics (formerly Invitae), Labcorp
Classification: Uncertain significance for Neutropenia, severe congenital, 1, autosomal dominant; Cyclical neutropenia. Last evaluated: 2025-12-16. Review status: criteria provided, single submitter. Criteria: Invitae Variant Classification Sherloc (09022015). Collection method: clinical testing. Allele origin: germline.
Comment: This sequence change replaces valine, which is neutral and non-polar, with phenylalanine, which is neutral and non-polar, at codon 65 of the ELANE protein (p.Val65Phe). This variant is not present in population databases (gnomAD no frequency). This missense change has been observed in individual(s) with ELANE-related neutropenia (PMID: 34340247). Invitae Evidence Modeling of protein sequence and biophysical properties (such as structural, functional, and spatial information, amino acid conservation, physicochemical variation, residue mobility, and thermodynamic stability) indicates that this missense variant is expected to disrupt ELANE protein function with a positive predictive value of 95%. In summary, the available evidence is currently insufficient to determine the role of this variant in disease. Therefore, it has been classified as a Variant of Uncertain Significance.

Literature cited by the submitters: PubMed 34340247.